The following is an entry in ClinVar:

ClinVar aggregate classification (germline): Uncertain significance (1 of 4 stars; one submission).

Submission:

Labcorp Genetics (formerly Invitae), Labcorp
Classification: Uncertain significance. Last evaluated: 2024-10-22. Review status: criteria provided, single submitter. Criteria: Invitae Variant Classification Sherloc (09022015). Collection method: clinical testing. Allele origin: germline.
Comment: This sequence change creates a premature translational stop signal (p.Trp450*) in the TIMM50 gene. While this is not anticipated to result in nonsense mediated decay, it is expected to disrupt the last 7 amino acid(s) of the TIMM50 protein. This variant is not present in population databases (gnomAD no frequency). This variant has not been reported in the literature in individuals affected with TIMM50-related conditions. ClinVar contains an entry for this variant (Variation ID: 1484039). Experimental studies and prediction algorithms are not available or were not evaluated, and the functional significance of this variant is currently unknown. In summary, the available evidence is currently insufficient to determine the role of this variant in disease. Therefore, it has been classified as a Variant of Uncertain Significance.

NM_001001563.5(TIMM50):c.1041G>A (p.Trp347Ter)

Gene: TIMM50 (translocase of inner mitochondrial membrane 50; plus strand). Cytogenetic location: 19q13.2.
Variant type: single nucleotide variant.
Coding change: c.1041G>A on transcript NM_001001563.5 (MANE Select); coding-DNA position 1041, G replaced by A.
Protein change: p.Trp347Ter; replaces tryptophan 347 with a stop codon.
Molecular consequence: nonsense.
Genome position (GRCh38, 1-based): chr19:39,489,799, G>A. VCF-style: chr19-39489799-G-A. GRCh37 (hg19) VCF-style: chr19-39980439-G-A.
Other names: c.702G>A, p.Trp234Ter (NM_001329559.2); short protein forms W234*, W347*.
Identifiers: ClinVar variation 1484039 (VCV001484039.6), dbSNP rs1009361023, ClinGen allele CA405790956.